The following is an entry in ClinVar:

ClinVar aggregate classification (germline): Uncertain significance (1 of 4 stars; one submission).

Conditions:
Walker-Warburg congenital muscular dystrophy. Also called: Muscular dystrophy-dystroglycanopathy, type A; Walker-Warburg syndrome. Identifiers: Orphanet 899, MedGen C0265221, MONDO:0000171.

Submission:

Labcorp Genetics (formerly Invitae), Labcorp
Classification: Uncertain significance for Walker-Warburg congenital muscular dystrophy. Last evaluated: 2019-09-29. Review status: criteria provided, single submitter. Criteria: Invitae Variant Classification Sherloc (09022015). Collection method: clinical testing. Allele origin: germline.
Comment: This variant disrupts the p.Trp359 amino acid residue in FKRP. Other variant(s) that disrupt this residue have been observed in individuals with FKRP-related conditions (PMID: 25135358), which suggests that this may be a clinically significant amino acid residue. Algorithms developed to predict the effect of missense changes on protein structure and function are either unavailable or do not agree on the potential impact of this missense change (SIFT: "Tolerated"; PolyPhen-2: "Probably Damaging"; Align-GVGD: "Class C0"). This variant has not been reported in the literature in individuals with FKRP-related conditions. This variant is not present in population databases (ExAC no frequency). This sequence change replaces tryptophan with arginine at codon 359 of the FKRP protein (p.Trp359Arg). The tryptophan residue is highly conserved and there is a moderate physicochemical difference between tryptophan and arginine. In summary, the available evidence is currently insufficient to determine the role of this variant in disease. Therefore, it has been classified as a Variant of Uncertain Significance.

Literature cited by the submitters: PubMed 25135358.

NM_024301.5(FKRP):c.1075T>C (p.Trp359Arg)

Gene: FKRP (fukutin related protein; plus strand). Cytogenetic location: 19q13.32.
Variant type: single nucleotide variant.
Coding change: c.1075T>C on transcript NM_024301.5 (MANE Select); coding-DNA position 1075, T replaced by C.
Protein change: p.Trp359Arg; replaces tryptophan 359 with arginine.
Molecular consequence: missense variant.
Genome position (GRCh38, 1-based): chr19:46,756,525, T>C. VCF-style: chr19-46756525-T-C. GRCh37 (hg19) VCF-style: chr19-47259782-T-C.
Other names: c.1075T>C, p.Trp359Arg (NM_001039885.3); short protein forms W359R.
Identifiers: ClinVar variation 953549 (VCV000953549.8), dbSNP rs2054929484, ClinGen allele CA406496592.
Genomic context (GRCh38, chr19:46,756,525, plus strand): 5'-CGCTACTGGCTCGAGGGCGGCTCACTGCTGGGGGCCGCCCGCCACGGGGACATCATCCCA[T>C]GGGACTACGACGTGGACCTGGGCATCTACTTGGAGGACGTGGGCAACTGCGAGCAGCTGC-3'
Protein context (NP_077277.1, residues 349-369): GAARHGDIIP[Trp359Arg]DYDVDLGIYL